The following is an entry in ClinVar:

NM_001776.6(ENTPD1):c.479C>T (p.Pro160Leu)

Genes: ENTPD1 (ectonucleoside triphosphate diphosphohydrolase 1; plus strand), ENTPD1-AS1 (ENTPD1 antisense RNA 1; minus strand). Cytogenetic location: 10q24.1.
Variant type: single nucleotide variant.
Coding change: c.479C>T on transcript NM_001776.6 (MANE Select); coding-DNA position 479, C replaced by T.
Protein change: p.Pro160Leu; replaces proline 160 with leucine.
Molecular consequence: missense variant.
Genome position (GRCh38, 1-based): chr10:95,844,541, C>T. VCF-style: chr10-95844541-C-T. GRCh37 (hg19) VCF-style: chr10-97604298-C-T.
Other names: c.500C>T, p.Pro167Leu (NM_001098175.2); c.515C>T, p.Pro172Leu (NM_001164178.1, NM_001320916.1); c.479C>T, p.Pro160Leu (NM_001164179.2); c.155C>T, p.Pro52Leu (NM_001164181.1, NM_001312654.1); c.65C>T, p.Pro22Leu (NM_001164182.2, NM_001164183.2); short protein forms P52L, P160L, P172L, P22L, P167L.
Identifiers: ClinVar variation 2079956 (VCV002079956.4), dbSNP rs2494403024, ClinGen allele CA377822708.

ClinVar aggregate classification (germline): Uncertain significance (1 of 4 stars; one submission).

Conditions:
Hereditary spastic paraplegia 64. Also called: Spastic paraplegia 64, autosomal recessive; ENTPD1-Related Neurodevelopmental Disorder. Identifiers: Orphanet 401810, MedGen C3810289, MONDO:0014303, OMIM 615683.

Submission:

Labcorp Genetics (formerly Invitae), Labcorp
Classification: Uncertain significance for Hereditary spastic paraplegia 64. Last evaluated: 2022-01-13. Review status: criteria provided, single submitter. Criteria: Invitae Variant Classification Sherloc (09022015). Collection method: clinical testing. Allele origin: germline.
Comment: This sequence change replaces proline, which is neutral and non-polar, with leucine, which is neutral and non-polar, at codon 160 of the ENTPD1 protein (p.Pro160Leu). This variant is not present in population databases (gnomAD no frequency). This variant has not been reported in the literature in individuals affected with ENTPD1-related conditions. Algorithms developed to predict the effect of missense changes on protein structure and function are either unavailable or do not agree on the potential impact of this missense change (SIFT: "Tolerated"; PolyPhen-2: "Probably Damaging"; Align-GVGD: "Class C0"). In summary, the available evidence is currently insufficient to determine the role of this variant in disease. Therefore, it has been classified as a Variant of Uncertain Significance.